The following is an entry in ClinVar:

ClinVar aggregate classification (germline): Likely pathogenic (1 of 4 stars; one submission).

Conditions:
PANK2-related disorder. Also called: PANK2-related condition.

Submission:

PreventionGenetics, part of Exact Sciences
Classification: Likely pathogenic for PANK2-related condition. Last evaluated: 2025-04-04. Review status: criteria provided, single submitter. Criteria: ACMG Guidelines, 2015. Collection method: clinical testing. Allele origin: germline.
Comment: The PANK2 c.78delT variant is predicted to result in a frameshift and premature protein termination (p.Leu26Leufs*179). To our knowledge, this variant has not been reported in the literature or in a large population database (gnomAD), indicating this variant is rare. Frameshift variants in PANK2 are expected to be pathogenic. This variant is interpreted as likely pathogenic.

NM_153638.4(PANK2):c.78del (p.Leu27fs)

Gene: PANK2 (pantothenate kinase 2; plus strand). Cytogenetic location: 20p13.
Variant type: Deletion.
Coding change: c.78del on transcript NM_153638.4; coding-DNA position 78, one base deleted (T; older notation c.78delT).
Protein change: p.Leu27fs; shifts the reading frame from leucine 27.
Molecular consequence: frameshift variant. On other transcripts: intron variant (1).
Genome position (GRCh38, 1-based): chr20:3,889,178, T deleted; the last of 2 consecutive T bases (chr20:3,889,177-3,889,178); deleting either gives the same sequence. VCF-style (leftmost placement, unchanged base first): chr20-3889176-CT-C. GRCh37 (hg19) VCF-style: chr20-3869823-CT-C.
Other names: c.78del, p.Leu27fs (NM_001324192.1); c.-246+274del (NM_024960.6); short protein forms L27fs.
Identifiers: ClinVar variation 4988258 (VCV004988258.1).